The following is an entry in ClinVar:

ClinVar aggregate classification (germline): Uncertain significance (1 of 4 stars; one submission).

Conditions:
Cardiovascular phenotype. Identifiers: MedGen CN230736.

Submission:

Ambry Genetics
Classification: Uncertain significance for Cardiovascular phenotype. Last evaluated: 2026-06-13. Review status: criteria provided, single submitter. Criteria: Ambry Variant Classification Scheme 2023. Collection method: clinical testing. Allele origin: germline.
Comment: The c.514delT (p.Y172Tfs*36) alteration, located in exon 5 (coding exon 4) of the TBX1 gene, consists of a deletion of one nucleotide at position 514, causing a translational frameshift with a predicted alternate stop codon after 36 amino acids. This variant is expected to result in premature protein truncation or nonsense-mediated mRNA decay. However, loss of function of TBX1 has not been established as a mechanism of disease. This variant was not reported in population-based cohorts in the Genome Aggregation Database (gnomAD). Based on insufficient or conflicting evidence, the clinical significance of this alteration remains unclear.

NM_001379200.1(TBX1):c.541del (p.Tyr181fs)

Gene: TBX1 (T-box transcription factor 1; plus strand). Cytogenetic location: 22q11.21.
Variant type: Deletion.
Coding change: c.541del on transcript NM_001379200.1 (MANE Select); coding-DNA position 541, one base deleted (T; older notation c.541delT).
Protein change: p.Tyr181fs; shifts the reading frame from tyrosine 181.
Molecular consequence: frameshift variant.
Genome position (GRCh38, 1-based): chr22:19,764,156, T deleted. VCF-style (leftmost placement, unchanged base first): chr22-19764155-GT-G. GRCh37 (hg19) VCF-style: chr22-19751678-GT-G.
Other names: c.514del, p.Tyr172fs (NM_005992.1, NM_080646.2, NM_080647.1); c.514delT (NM_080647.1); short protein forms Y172fs, Y181fs.
Identifiers: ClinVar variation 4865339 (VCV004865339.1).
Genomic context (GRCh38, chr22:19,764,155, plus strand): 5'-ACGGGTCAAGGCCCTCTGGGTTCACCTCCACATGCACGACCCCACCCCGTGCCGCTCCAG[GT>G]ACGCCTTCCACAGCTCCTCCTGGCTGGTGGCGGGGAAGGCCGACCCTGCCACGCCAGGCC-3'